The following is an entry in ClinVar:

ClinVar aggregate classification (germline): Pathogenic/Likely pathogenic. Review status: criteria provided, multiple submitters, no conflicts (2 of 4 stars). 3 submissions from 3 submitters: Pathogenic (2); Likely pathogenic (1). Last evaluated 2024-01-04.

Conditions:
Congenital bile acid synthesis defect 1 (CBAS1). Also called: 3-BETA-HYDROXY-DELTA-5-C27-STEROID OXIDOREDUCTASE DEFICIENCY. Identifiers: Orphanet 79301, MedGen C1843116, MONDO:0011906, OMIM 607765.

gnomAD v4.1: 4 of 1,614,026 alleles (0.00025%); highest among the groups gnomAD compares: African/African-American, 0.0053%; no homozygotes.

Submissions (3):

Fulgent Genetics
Classification: Likely pathogenic for Congenital bile acid synthesis defect 1. Last evaluated: 2024-01-04. Review status: criteria provided, single submitter. Criteria: ACMG Guidelines, 2015. Collection method: clinical testing. Allele origin: germline.

Labcorp Genetics (formerly Invitae), Labcorp
Classification: Pathogenic. Last evaluated: 2023-10-27. Review status: criteria provided, single submitter. Criteria: Invitae Variant Classification Sherloc (09022015). Collection method: clinical testing. Allele origin: germline.
Comment: This sequence change creates a premature translational stop signal (p.Glu167*) in the HSD3B7 gene. It is expected to result in an absent or disrupted protein product. Loss-of-function variants in HSD3B7 are known to be pathogenic (PMID: 12679481). This variant is present in population databases (rs560826820, gnomAD 0.01%). This variant has not been reported in the literature in individuals affected with HSD3B7-related conditions. ClinVar contains an entry for this variant (Variation ID: 1030914). For these reasons, this variant has been classified as Pathogenic.

Baylor Genetics
Classification: Pathogenic for Congenital bile acid synthesis defect 1. Last evaluated: 2019-11-19. Review status: criteria provided, single submitter. Criteria: ACMG Guidelines, 2015. Collection method: clinical testing. Allele origin: unknown. Affected: yes.
Comment: This variant was determined to be pathogenic according to ACMG Guidelines, 2015 [PMID:25741868].

Literature cited by the submitters: PubMed 12679481 (cited by Labcorp Genetics (formerly Invitae), Labcorp).

NM_025193.4(HSD3B7):c.499G>T (p.Glu167Ter)

Gene: HSD3B7 (hydroxy-delta-5-steroid dehydrogenase, 3 beta- and steroid delta-isomerase 7; plus strand). Cytogenetic location: 16p11.2.
Variant type: single nucleotide variant.
Coding change: c.499G>T on transcript NM_025193.4 (MANE Select); coding-DNA position 499, G replaced by T.
Protein change: p.Glu167Ter; replaces glutamic acid 167 with a stop codon.
Molecular consequence: nonsense.
Genome position (GRCh38, 1-based): chr16:30,986,672, G>T. VCF-style: chr16-30986672-G-T. GRCh37 (hg19) VCF-style: chr16-30997993-G-T.
Other names: c.499G>T, p.Glu167Ter (NM_001142777.2, NM_001142778.2); short protein forms E167*.
Identifiers: ClinVar variation 1030914 (VCV001030914.5), dbSNP rs560826820, ClinGen allele CA8018008.